The following is an entry in ClinVar:

NM_032237.5(POMK):c.254A>G (p.Lys85Arg)

Gene: POMK (protein O-mannose kinase; plus strand). Cytogenetic location: 8p11.21.
Variant type: single nucleotide variant.
Coding change: c.254A>G on transcript NM_032237.5 (MANE Select); coding-DNA position 254, A replaced by G.
Protein change: p.Lys85Arg; replaces lysine 85 with arginine.
Molecular consequence: missense variant.
Genome position (GRCh38, 1-based): chr8:43,103,802, A>G. VCF-style: chr8-43103802-A-G. GRCh37 (hg19) VCF-style: chr8-42958945-A-G.
Other names: c.254A>G, p.Lys85Arg (NM_001277971.2); c.254A>G (NM_032237.3); short protein forms K85R.
Identifiers: ClinVar variation 474190 (VCV000474190.6), dbSNP rs752925552, ClinGen allele CA4736229.

ClinVar aggregate classification (germline): Uncertain significance. Review status: criteria provided, multiple submitters, no conflicts (2 of 4 stars). 3 submissions from 3 submitters: Uncertain significance (3). Last evaluated 2023-04-19.

Conditions:
Inborn genetic diseases. Identifiers: MedGen C0950123, MeSH D030342.
Limb-girdle muscular dystrophy due to POMK deficiency. Also called: MUSCULAR DYSTROPHY-DYSTROGLYCANOPATHY, LIMB-GIRDLE, POMK-RELATED; Muscular dystrophy-dystroglycanopathy (limb-girdle), type c, 12. Identifiers: Orphanet 445110, MedGen C4015184, MONDO:0014489, OMIM 616094.
Muscular dystrophy-dystroglycanopathy (congenital with brain and eye anomalies), type a, 12 (MDDGA12). Also called: WALKER-WARBURG SYNDROME OR MUSCLE-EYE-BRAIN DISEASE, POMK-RELATED. Identifiers: Orphanet 899, MedGen C3808964, MONDO:0014101, OMIM 615249.

Allele frequency attached by ClinVar (database versions not stated): gnomAD 0.00001; ExAC 0.00002; TOPMed 0.00002; gnomAD exomes 0.00003.
gnomAD v4.1: 44 of 1,614,104 alleles (0.0027%); highest among the groups gnomAD compares: Non-Finnish European, 0.0036%; no homozygotes.

Submissions (3):

Ambry Genetics
Classification: Uncertain significance for Inborn genetic diseases. Last evaluated: 2023-04-19. Review status: criteria provided, single submitter. Criteria: Ambry Variant Classification Scheme 2023. Collection method: clinical testing. Allele origin: germline.

Labcorp Genetics (formerly Invitae), Labcorp
Classification: Uncertain significance for Muscular dystrophy-dystroglycanopathy (congenital with brain and eye anomalies), type a, 12; Limb-girdle muscular dystrophy due to POMK deficiency. Last evaluated: 2021-09-01. Review status: criteria provided, single submitter. Criteria: Invitae Variant Classification Sherloc (09022015). Collection method: clinical testing. Allele origin: germline.
Comment: This sequence change replaces lysine with arginine at codon 85 of the POMK protein (p.Lys85Arg). The lysine residue is highly conserved and there is a small physicochemical difference between lysine and arginine. This variant is present in population databases (rs752925552, ExAC 0.005%). This variant has not been reported in the literature in individuals affected with POMK-related conditions. ClinVar contains an entry for this variant (Variation ID: 474190). Algorithms developed to predict the effect of missense changes on protein structure and function output the following: SIFT: "Deleterious"; PolyPhen-2: "Benign"; Align-GVGD: "Class C25". The arginine amino acid residue is found in multiple mammalian species, which suggests that this missense change does not adversely affect protein function. In summary, the available evidence is currently insufficient to determine the role of this variant in disease. Therefore, it has been classified as a Variant of Uncertain Significance.

GeneDx
Classification: Uncertain significance. Last evaluated: 2019-05-15. Review status: criteria provided, single submitter. Criteria: GeneDx Variant Classification Process June 2021. Collection method: clinical testing. Allele origin: germline. Affected: yes.
Comment: Not observed at a significant frequency in large population cohorts (Lek et al., 2016); In silico analysis, which includes protein predictors and evolutionary conservation, supports that this variant does not alter protein structure/function; Has not been previously published as pathogenic or benign to our knowledge